The following is an entry in ClinVar:

NM_144991.3(TSPEAR):c.1754+7G>A

Genes: TSPEAR (thrombospondin type laminin G domain and EAR repeats; minus strand), TSPEAR-AS1 (TSPEAR antisense RNA 1; plus strand), LOC126653398 (CDK7 strongly-dependent group 2 enhancer GRCh37_chr21:45928270-45929469; plus strand). Cytogenetic location: 21q22.3.
Variant type: single nucleotide variant.
Coding change: c.1754+7G>A on transcript NM_144991.3 (MANE Select); 7 bases into the intron after coding-DNA position 1754, G replaced by A.
Molecular consequence: intron variant.
Genome position (GRCh38, 1-based): chr21:44,509,192, C>T on the plus strand (G>A on the coding strand, the complement: TSPEAR is on the minus strand). VCF-style: chr21-44509192-C-T. GRCh37 (hg19) VCF-style: chr21-45929075-C-T.
Other names: c.1550+7G>A (NM_001272037.2).
Identifiers: ClinVar variation 505657 (VCV000505657.19), dbSNP rs200711828, ClinGen allele CA10056391.

ClinVar aggregate classification (germline): Likely benign. Review status: criteria provided, multiple submitters, no conflicts (2 of 4 stars). 6 submissions from 6 submitters: Likely benign (6). Last evaluated 2026-07-28.

Conditions:
TSPEAR-related disorder. Also called: TSPEAR-related condition.

Allele frequency attached by ClinVar (database versions not stated): gnomAD exomes 0.00004 and 0.00013; gnomAD 0.00006 and 0.00007; TOPMed 0.00007; ExAC 0.00012; 1000 Genomes Project 30x 0.00031; 1000 Genomes Project 0.00040.
gnomAD v4.1: 65 of 1,612,196 alleles (0.004%); highest among the groups gnomAD compares: East Asian, 0.085%; no homozygotes.

Submissions (6):

PreventionGenetics, part of Exact Sciences
Classification: Likely benign for TSPEAR-related condition. Last evaluated: 2026-07-28. Review status: criteria provided, single submitter. Criteria: ACMG Guidelines, 2015. Collection method: clinical testing. Allele origin: germline.
Comment: This variant is classified as likely benign based on ACMG/AMP sequence variant interpretation guidelines (Richards et al. 2015 PMID: 25741868, with internal and published modifications).

Labcorp Genetics (formerly Invitae), Labcorp
Classification: Likely benign. Last evaluated: 2025-05-19. Review status: criteria provided, single submitter. Criteria: Invitae Variant Classification Sherloc (09022015). Collection method: clinical testing. Allele origin: germline.

Blueprint Genetics
Classification: Likely benign. Last evaluated: 2024-03-08. Review status: criteria provided, single submitter. Criteria: ACMG Guidelines, 2015. Collection method: clinical testing. Allele origin: germline.

GeneDx
Classification: Likely benign. Last evaluated: 2020-11-25. Review status: criteria provided, single submitter. Criteria: GeneDx Variant Classification Process June 2021. Collection method: clinical testing. Allele origin: germline. Affected: yes.

Laboratory for Molecular Medicine, Mass General Brigham Personalized Medicine
Classification: Likely benign. Last evaluated: 2017-03-16. Review status: criteria provided, single submitter. Criteria: LMM Criteria. Collection method: clinical testing. Allele origin: germline. Observed: 1 variant allele.
Comment: c.1754+7G>A in intron 10 of TSPEAR: This variant is not expected to have clinica l significance because it is not located within the splice consensus sequence. I t has been identified in 0.1% (12/8526) of East Asian chromosomes by the Exome A ggregation Consortium (ExAC; dbSNP rs200711828).

Breakthrough Genomics
Classification: Likely benign. Review status: criteria provided, single submitter. Criteria: ACMG Guidelines, 2015. Collection method: not provided. Allele origin: germline. Inheritance: Autosomal recessive inheritance. Affected: yes.